The following is an entry in ClinVar:

NM_000548.5(TSC2):c.5236C>A (p.His1746Asn)

Gene: TSC2 (TSC complex subunit 2; plus strand). Cytogenetic location: 16p13.3.
Variant type: single nucleotide variant.
Coding change: c.5236C>A on transcript NM_000548.5 (MANE Select); coding-DNA position 5236, C replaced by A.
Protein change: p.His1746Asn; replaces histidine 1746 with asparagine.
Molecular consequence: missense variant. On other transcripts: non-coding transcript variant (5).
Genome position (GRCh38, 1-based): chr16:2,088,302, C>A. VCF-style: chr16-2088302-C-A. GRCh37 (hg19) VCF-style: chr16-2138303-C-A.
Other names: c.3694C>A, p.His1232Asn (NM_001406694.1, NM_001406692.1, NM_001406693.1); c.3691C>A, p.His1231Asn (NM_001406695.1, NM_001406696.1, NM_001406697.1); c.3433C>A, p.His1145Asn (NM_001406698.1); c.5107C>A, p.His1703Asn (NM_021055.3); c.4435C>A, p.His1479Asn (NM_001406687.1, NM_001406688.1); c.3823C>A, p.His1275Asn (NM_001406689.1); c.3763C>A, p.His1255Asn (NM_001406690.1); c.3760C>A, p.His1254Asn (NM_001406691.1); and 27 more; short protein forms H1145N, H1254N, H1522N, H1526N, H1546N, H1642N, H1643N, H1674N.
Identifiers: ClinVar variation 4192116 (VCV004192116.1).

ClinVar aggregate classification (germline): Uncertain significance (1 of 4 stars; one submission).

Conditions:
Hereditary cancer-predisposing syndrome. Also called: Neoplastic Syndromes, Hereditary; Tumor predisposition; Hereditary Cancer Syndrome; Hereditary neoplastic syndrome. Identifiers: Orphanet 140162, MedGen C0027672, MeSH D009386, MONDO:0015356.

gnomAD v4.1: 1 of 1,612,714 alleles (0.000062%); highest among the groups gnomAD compares: Non-Finnish European, 0.000085%; no homozygotes.

Submission:

Ambry Genetics
Classification: Uncertain significance for Hereditary cancer-predisposing syndrome. Last evaluated: 2025-07-24. Review status: criteria provided, single submitter. Criteria: Ambry Variant Classification Scheme 2023. Collection method: clinical testing. Allele origin: germline.
Comment: The p.H1746N variant (also known as c.5236C>A), located in coding exon 40 of the TSC2 gene, results from a C to A substitution at nucleotide position 5236. The histidine at codon 1746 is replaced by asparagine, an amino acid with similar properties. This amino acid position is highly conserved in available vertebrate species. In addition, the in silico prediction for this alteration is inconclusive. Based on the available evidence, the clinical significance of this variant remains unclear.